The following is an entry in ClinVar:

ClinVar aggregate classification (germline): Likely benign. Review status: criteria provided, multiple submitters, no conflicts (2 of 4 stars). 5 submissions from 5 submitters: Likely benign (4). 1 of the submissions does not count toward it. Last evaluated 2026-06-01.

Conditions:
SMOC1-related disorder. Also called: SMOC1-related condition.
Inborn genetic diseases. Identifiers: MedGen C0950123, MeSH D030342.

Allele frequency attached by ClinVar (database versions not stated): gnomAD exomes 0.00012 and 0.00036; ExAC 0.00043; ESP Exome Variant Server 0.00100; gnomAD 0.00112; TOPMed 0.00142; 1000 Genomes Project 0.00200; 1000 Genomes Project 30x 0.00219.
gnomAD v4.1: 381 of 1,614,116 alleles (0.024%); highest among the groups gnomAD compares: African/African-American, 0.45%; 2 homozygotes.

Submissions (5):

CeGaT Center for Human Genetics Tuebingen
Classification: Likely benign. Last evaluated: 2026-06-01. Review status: criteria provided, single submitter. Criteria: CeGaT Center For Human Genetics Tuebingen Variant Classification Criteria Version 2. Collection method: clinical testing. Allele origin: germline. Affected: yes. Observed: 1 variant allele.
Comment: SMOC1: BP4

Labcorp Genetics (formerly Invitae), Labcorp
Classification: Likely benign. Last evaluated: 2026-01-15. Review status: criteria provided, single submitter. Criteria: Invitae Variant Classification Sherloc (09022015). Collection method: clinical testing. Allele origin: germline.

Ambry Genetics
Classification: Likely benign for Inborn genetic diseases. Last evaluated: 2025-10-21. Review status: criteria provided, single submitter. Criteria: Ambry Variant Classification Scheme 2023. Collection method: clinical testing. Allele origin: germline.

Breakthrough Genomics
Classification: Likely benign. Review status: criteria provided, single submitter. Criteria: ACMG Guidelines, 2015. Collection method: not provided. Allele origin: germline. Inheritance: Autosomal recessive inheritance. Affected: yes.

PreventionGenetics, part of Exact Sciences
Classification: Likely benign for SMOC1-related condition. Last evaluated: 2022-05-09. Review status: no assertion criteria provided. Collection method: clinical testing. Allele origin: germline. Not counted in ClinVar's aggregate classification.
Comment: This variant is classified as likely benign based on ACMG/AMP sequence variant interpretation guidelines (Richards et al. 2015 PMID: 25741868, with internal and published modifications).

NM_001034852.3(SMOC1):c.163A>T (p.Ile55Phe)

Gene: SMOC1 (SPARC related modular calcium binding 1; plus strand). Cytogenetic location: 14q24.2.
Variant type: single nucleotide variant.
Coding change: c.163A>T on transcript NM_001034852.3 (MANE Select); coding-DNA position 163, A replaced by T.
Protein change: p.Ile55Phe; replaces isoleucine 55 with phenylalanine.
Molecular consequence: missense variant.
Genome position (GRCh38, 1-based): chr14:69,952,201, A>T. VCF-style: chr14-69952201-A-T. GRCh37 (hg19) VCF-style: chr14-70418918-A-T.
Other names: c.163A>T, p.Ile55Phe (NM_022137.6); short protein forms I55F.
Identifiers: ClinVar variation 737631 (VCV000737631.15), dbSNP rs143490732, ClinGen allele CA7246368.